The following is an entry in ClinVar:

ClinVar aggregate classification (germline): Uncertain significance (1 of 4 stars; one submission).

Submission:

GeneDx
Classification: Uncertain significance. Last evaluated: 2020-10-22. Review status: criteria provided, single submitter. Criteria: GeneDx Variant Classification Process June 2021. Collection method: clinical testing. Allele origin: germline. Affected: yes.
Comment: Not observed in large population cohorts (Lek et al., 2016); Has not been previously published as pathogenic or benign to our knowledge; In-silico analysis, which includes splice predictors and evolutionary conservation, is inconclusive as to whether the variant alters gene splicing. In the absence of RNA/functional studies, the actual effect of this sequence change is unknown.

NM_003336.4(UBE2A):c.48G>A (p.Leu16=)

Gene: UBE2A (ubiquitin conjugating enzyme E2 A; plus strand). Cytogenetic location: Xq24.
Variant type: single nucleotide variant.
Coding change: c.48G>A on transcript NM_003336.4 (MANE Select); coding-DNA position 48, G replaced by A.
Protein change: p.Leu16=; no amino-acid change (leucine 16 retained).
Molecular consequence: synonymous variant. On other transcripts: intron variant (1).
Genome position (GRCh38, 1-based): chrX:119,574,904, G>A. VCF-style: chrX-119574904-G-A. GRCh37 (hg19) VCF-style: chrX-118708867-G-A.
Other names: c.48G>A, p.Leu16= (NM_181762.3); c.-48-4G>A (NM_001282161.2).
Identifiers: ClinVar variation 504064 (VCV000504064.3), dbSNP rs1556235516, ClinGen allele CA518364479.
Genomic context (GRCh38, chrX:119,574,904, plus strand): 5'-CGGCCGGGAGCGGGCGCCAGTGCCGGCCTAGGGGGACCCCTGTCTGTCTTCCCGAAGGTT[G>A]CAGGAGGATCCTCCAGCCGGAGTCAGCGGGGCTCCGTCCGAGAACAACATAATGGTGTGG-3'
Protein context (NP_003327.2, residues 6-26): RRRLMRDFKR[Leu16=]QEDPPAGVSG